The following is an entry in ClinVar:

ClinVar aggregate classification (germline): Uncertain significance. Review status: criteria provided, multiple submitters, no conflicts (2 of 4 stars). 2 submissions from 2 submitters: Uncertain significance (2). Last evaluated 2025-09-18.

Conditions:
Hereditary cancer-predisposing syndrome. Also called: Tumor predisposition; Hereditary neoplastic syndrome; Hereditary Cancer Syndrome; Neoplastic Syndromes, Hereditary. Identifiers: Orphanet 140162, MedGen C0027672, MeSH D009386, MONDO:0015356.

Submissions (2):

Ambry Genetics
Classification: Uncertain significance for Hereditary cancer-predisposing syndrome. Last evaluated: 2025-09-18. Review status: criteria provided, single submitter. Criteria: Ambry Variant Classification Scheme 2023. Collection method: clinical testing. Allele origin: germline.
Comment: The p.M799I variant (also known as c.2397G>T), located in coding exon 4 of the MSH6 gene, results from a G to T substitution at nucleotide position 2397. The methionine at codon 799 is replaced by isoleucine, an amino acid with highly similar properties. This amino acid position is well conserved in available vertebrate species. In addition, the in silico prediction for this alteration is inconclusive. Based on the available evidence, the clinical significance of this variant remains unclear.

Color Diagnostics, LLC DBA Color Health
Classification: Uncertain significance for Hereditary cancer-predisposing syndrome. Last evaluated: 2024-03-06. Review status: criteria provided, single submitter. Criteria: ACMG Guidelines, 2015. Collection method: clinical testing. Allele origin: germline.
Comment: This missense variant replaces methionine with isoleucine at codon 799 of the MSH6 protein. Computational prediction suggests that this variant may not impact protein structure and function (internally defined REVEL score threshold <= 0.5, PMID: 27666373). To our knowledge, functional studies have not been reported for this variant. This variant has not been reported in individuals affected with hereditary cancer in the literature. This variant has not been identified in the general population by the Genome Aggregation Database (gnomAD). The available evidence is insufficient to determine the role of this variant in disease conclusively. Therefore, this variant is classified as a Variant of Uncertain Significance.

NM_000179.3(MSH6):c.2397G>T (p.Met799Ile)

Gene: MSH6 (mutS homolog 6; plus strand). Cytogenetic location: 2p16.3.
Variant type: single nucleotide variant.
Coding change: c.2397G>T on transcript NM_000179.3 (MANE Select); coding-DNA position 2397, G replaced by T.
Protein change: p.Met799Ile; replaces methionine 799 with isoleucine.
Molecular consequence: missense variant.
Genome position (GRCh38, 1-based): chr2:47,800,380, G>T. VCF-style: chr2-47800380-G-T. GRCh37 (hg19) VCF-style: chr2-48027519-G-T.
Other names: c.2007G>T, p.Met669Ile (NM_001281492.2); c.1491G>T, p.Met497Ile (NM_001281493.2, NM_001281494.2); short protein forms M497I, M669I, M799I.
Identifiers: ClinVar variation 1171586 (VCV001171586.4), dbSNP rs1669457095, ClinGen allele CA346753903.